The following is an entry in ClinVar:

ClinVar aggregate classification (germline): Uncertain significance (1 of 4 stars; one submission).

Conditions:
Syndromic multisystem autoimmune disease due to ITCH deficiency. Also called: AUTOIMMUNE DISEASE, MULTISYSTEM, WITH FACIAL DYSMORPHISM. Identifiers: Orphanet 228426, MedGen C3150649, MONDO:0013245, OMIM 613385.

Submission:

Labcorp Genetics (formerly Invitae), Labcorp
Classification: Uncertain significance for Syndromic multisystem autoimmune disease due to ITCH deficiency. Last evaluated: 2019-09-10. Review status: criteria provided, single submitter. Criteria: Invitae Variant Classification Sherloc (09022015). Collection method: clinical testing. Allele origin: germline.
Comment: This variant has not been reported in the literature in individuals with ITCH-related conditions. This sequence change replaces arginine with glutamine at codon 707 of the ITCH protein (p.Arg707Gln). The arginine residue is highly conserved and there is a small physicochemical difference between arginine and glutamine. This variant is not present in population databases (ExAC no frequency). Algorithms developed to predict the effect of missense changes on protein structure and function are either unavailable or do not agree on the potential impact of this missense change (SIFT: "Tolerated"; PolyPhen-2: "Probably Damaging"; Align-GVGD: "Class C0"). In summary, the available evidence is currently insufficient to determine the role of this variant in disease. Therefore, it has been classified as a Variant of Uncertain Significance.

NM_031483.7(ITCH):c.2120G>A (p.Arg707Gln)

Gene: ITCH (itchy E3 ubiquitin protein ligase; plus strand). Cytogenetic location: 20q11.22.
Variant type: single nucleotide variant.
Coding change: c.2120G>A on transcript NM_031483.7 (MANE Select); coding-DNA position 2120, G replaced by A.
Protein change: p.Arg707Gln; replaces arginine 707 with glutamine.
Molecular consequence: missense variant.
Genome position (GRCh38, 1-based): chr20:34,489,292, G>A. VCF-style: chr20-34489292-G-A. GRCh37 (hg19) VCF-style: chr20-33077097-G-A.
Other names: c.2243G>A, p.Arg748Gln (NM_001257137.3, NM_001324197.2); c.1790G>A, p.Arg597Gln (NM_001257138.3); c.2120G>A, p.Arg707Gln (NM_001324198.2); short protein forms R748Q, R707Q, R597Q.
Identifiers: ClinVar variation 940450 (VCV000940450.7), dbSNP rs1989351599, ClinGen allele CA408672153.